The following is an entry in ClinVar:

ClinVar aggregate classification (germline): Pathogenic/Likely pathogenic. Review status: criteria provided, multiple submitters, no conflicts (2 of 4 stars). 5 submissions from 5 submitters: Pathogenic (4); Likely pathogenic (1). Last evaluated 2025-11-26.

Conditions:
Ataxia-telangiectasia syndrome (AT). Also called: AT, COMPLEMENTATION GROUP C; Ataxia-telangiectasia, complementation group D; ATAXIA-TELANGIECTASIA, COMPLEMENTATION GROUP A; ATAXIA-TELANGIECTASIA, FRESNO VARIANT; Ataxia-telangiectasia; Ataxia-telangiectasia, complementation group E. Identifiers: Orphanet 100, MedGen C0004135, MONDO:0008840, OMIM 208900.
Familial cancer of breast. Also called: hereditary breast carcinoma; BREAST CANCER, FAMILIAL; Hereditary breast cancer. Identifiers: Orphanet 227535, MedGen C0346153, MONDO:0016419, OMIM 114480. Disease mechanism: loss of function.
Hereditary cancer-predisposing syndrome. Also called: Tumor predisposition; Hereditary Cancer Syndrome; Hereditary neoplastic syndrome; Neoplastic Syndromes, Hereditary. Identifiers: Orphanet 140162, MedGen C0027672, MeSH D009386, MONDO:0015356.

Submissions (5):

Variantyx, Inc.
Classification: Pathogenic for Ataxia-telangiectasia syndrome. Last evaluated: 2025-11-26. Review status: criteria provided, single submitter. Criteria: Variantyx Assertion Criteria 2022. Collection method: clinical testing. Allele origin: germline. Inheritance: Autosomal recessive inheritance. Affected: no.
Comment: This is a nonsense variant in the ATM gene (OMIM: 607585). Pathogenic variants in this gene have been associated with autosomal recessive ataxia telangiectasia. This variant introduces a premature termination codon in exon 50 out of 63 and is expected to result in loss of function, which is a known disease mechanism for ATM in this disorder (PMID: 38416404) (PVS1). This variant is absent from control populations (PM2). Based on the current evidence, this variant is classified as pathogenic for autosomal recessive ataxia telangiectasia.N

Quest Diagnostics Nichols Institute San Juan Capistrano
Classification: Likely pathogenic. Last evaluated: 2024-09-10. Review status: criteria provided, single submitter. Criteria: Quest Diagnostics criteria. Collection method: clinical testing. Allele origin: unknown.
Comment: The ATM c.7311C>G (p.Tyr2437*) variant is predicted to cause the premature termination of ATM protein synthesis. This variant has not been reported in individuals with ATM-related conditions in the published literature. This variant has not been reported in large, multi-ethnic general populations (Genome Aggregation Database). Based on the available information, this variant is classified as likely pathogenic.

GeneDx
Classification: Pathogenic. Last evaluated: 2024-09-01. Review status: criteria provided, single submitter. Criteria: GeneDx Variant Classification Process June 2021. Collection method: clinical testing. Allele origin: germline. Affected: yes.
Comment: Nonsense variant predicted to result in protein truncation and nonsense mediated decay in a gene for which loss of function is a known mechanism of disease; Not observed at significant frequency in large population cohorts (gnomAD); Truncating variants in this gene are considered pathogenic by a well-established clinical consortium and/or database; Has not been previously published as pathogenic or benign to our knowledge

Ambry Genetics
Classification: Pathogenic for Hereditary cancer-predisposing syndrome. Last evaluated: 2024-05-15. Review status: criteria provided, single submitter. Criteria: Ambry Variant Classification Scheme 2023. Collection method: clinical testing. Allele origin: germline.
Comment: The p.Y2437* pathogenic mutation (also known as c.7311C>G), located in coding exon 49 of the ATM gene, results from a C to G substitution at nucleotide position 7311. This changes the amino acid from a tyrosine to a stop codon within coding exon 49. This variant is considered to be rare based on population cohorts in the Genome Aggregation Database (gnomAD). This alteration is expected to result in loss of function by premature protein truncation or nonsense-mediated mRNA decay. As such, this alteration is interpreted as a disease-causing mutation.

Myriad Genetics, Inc.
Classification: Pathogenic for Familial cancer of breast. Last evaluated: 2024-01-31. Review status: criteria provided, single submitter. Criteria: Myriad Autosomal Dominant, Autosomal Recessive and X-Linked Classification Criteria (2023). Collection method: clinical testing. Allele origin: unknown.
Comment: This variant is considered pathogenic. This variant creates a termination codon and is predicted to result in premature protein truncation.

Literature cited by the submitters: PubMed 38416404 (cited by Variantyx, Inc.).

NM_000051.4(ATM):c.7311C>G (p.Tyr2437Ter)

Genes: ATM (ATM serine/threonine kinase; plus strand), C11orf65 (chromosome 11 open reading frame 65; minus strand). Cytogenetic location: 11q22.3.
Variant type: single nucleotide variant.
Coding change: c.7311C>G on transcript NM_000051.4 (MANE Select); coding-DNA position 7311, C replaced by G.
Protein change: p.Tyr2437Ter; replaces tyrosine 2437 with a stop codon.
Molecular consequence: nonsense. On other transcripts: intron variant (2).
Genome position (GRCh38, 1-based): chr11:108,330,217, C>G. VCF-style: chr11-108330217-C-G. GRCh37 (hg19) VCF-style: chr11-108200944-C-G.
Other names: c.7311C>G, p.Tyr2437Ter (NM_001351834.2); c.641-21146G>C (NM_001330368.2); c.*38+5003G>C (NM_001351110.2); short protein forms Y2437*.
Identifiers: ClinVar variation 3148133 (VCV003148133.4), dbSNP rs763470424, ClinGen allele CA382559866.